The following is an entry in ClinVar:

ClinVar aggregate classification (germline): Benign/Likely benign. Review status: criteria provided, multiple submitters, no conflicts (2 of 4 stars). 6 submissions from 6 submitters: Benign (4); Likely benign (2). Last evaluated 2022-06-30.

Conditions:
Cardiovascular phenotype. Identifiers: MedGen CN230736.
Long QT syndrome 2 (LQT2). Identifiers: Orphanet 101016, Orphanet 768, MedGen C3150943, MONDO:0013367, OMIM 613688.

Allele frequency attached by ClinVar (database versions not stated): gnomAD exomes 0.00107 and 0.00262; ExAC 0.00593; 1000 Genomes Project 0.01098; 1000 Genomes Project 30x 0.01124; gnomAD 0.01149 and 0.01245; ESP Exome Variant Server 0.01172; TOPMed 0.01260.
gnomAD v4.1: 3,332 of 1,582,518 alleles (0.21%); highest among the groups gnomAD compares: African/African-American, 4%; 67 homozygotes.

Submissions (6):

ARUP Laboratories, Molecular Genetics and Genomics, ARUP Laboratories
Classification: Benign. Last evaluated: 2022-06-30. Review status: criteria provided, single submitter. Criteria: ARUP Molecular Germline Variant Investigation Process 2021. Collection method: clinical testing. Allele origin: germline.

Women's Health and Genetics/Laboratory Corporation of America, LabCorp
Classification: Benign. Last evaluated: 2019-09-03. Review status: criteria provided, single submitter. Criteria: LabCorp Variant Classification Summary - May 2015. Collection method: clinical testing. Allele origin: germline.
Comment: Variant summary: KCNH2 c.*15G>A is located in the untranslated mRNA region downstream of the termination codon. 5/5 computational tools predict no significant impact on normal splicing. However, these predictions have yet to be confirmed by functional studies. The variant allele was found at a frequency of 0.0026 in 199372 control chromosomes in the gnomAD database, including 13 homozygotes. The observed variant frequency is approximately 26 fold of the estimated maximal expected allele frequency for a pathogenic variant in KCNH2 causing Arrhythmia phenotype (0.0001), strongly suggesting that the variant is benign. To our knowledge, no occurrence of c.*15G>A in individuals affected with Arrhythmia and no experimental evidence demonstrating its impact on protein function have been reported. One clinical diagnostic laboratory has submitted clinical-significance assessments for this variant to ClinVar after 2014 without evidence for independent evaluation and classified the variant as likely benign. Based on the evidence outlined above, the variant was classified as benign.

Illumina Laboratory Services, Illumina
Classification: Likely benign for Long QT syndrome 2. Last evaluated: 2018-02-06. Review status: criteria provided, single submitter. Criteria: ICSL Variant Classification Criteria 13 December 2019. Collection method: clinical testing. Allele origin: germline.
Comment: This variant was observed as part of a predisposition screen in an ostensibly healthy population. A literature search was performed for the gene, cDNA change, and amino acid change (where applicable). Publications were found based on this search. The evidence from the literature, in combination with allele frequency data from public databases where available, was sufficient to determine this variant is unlikely to cause disease. Therefore, this variant is classified as likely benign.

GeneDx
Classification: Benign. Last evaluated: 2015-03-03. Review status: criteria provided, single submitter. Criteria: GeneDx Variant Classification Process June 2021. Collection method: clinical testing. Allele origin: germline. Affected: yes.

Ambry Genetics
Classification: Benign for Cardiovascular phenotype. Last evaluated: 2014-12-18. Review status: criteria provided, single submitter. Criteria: Ambry Variant Classification Scheme 2023. Collection method: clinical testing. Allele origin: germline.

Breakthrough Genomics
Classification: Likely benign. Review status: criteria provided, single submitter. Criteria: ACMG Guidelines, 2015. Collection method: not provided. Allele origin: germline. Inheritance: Autosomal dominant inheritance. Affected: yes.

Literature cited by the submitters: PubMed 24687331 (cited by Illumina Laboratory Services, Illumina).

NM_000238.4(KCNH2):c.*15G>A

Gene: KCNH2 (potassium voltage-gated channel subfamily H member 2; minus strand). Cytogenetic location: 7q36.1.
Variant type: single nucleotide variant.
Coding change: c.*15G>A on transcript NM_000238.4 (MANE Select); 15 bases downstream of the stop codon, G replaced by A.
Molecular consequence: 3 prime UTR variant.
Genome position (GRCh38, 1-based): chr7:150,945,350, C>T on the plus strand (G>A on the coding strand, the complement: KCNH2 is on the minus strand). VCF-style: chr7-150945350-C-T. GRCh37 (hg19) VCF-style: chr7-150642438-C-T.
Other names: c.*15G>A (NM_172057.3).
Identifiers: ClinVar variation 359300 (VCV000359300.20), dbSNP rs41313746, ClinGen allele CA028865.